The following is an entry in ClinVar:

NM_173483.4(CYP4F22):c.1207_1208del (p.Thr403fs)

Gene: CYP4F22 (cytochrome P450 family 4 subfamily F member 22; plus strand). Cytogenetic location: 19p13.12.
Variant type: Deletion.
Coding change: c.1207_1208del on transcript NM_173483.4 (MANE Select); coding-DNA positions 1207 to 1208, 2 bases deleted (AC; older notation c.1207_1208delAC).
Protein change: p.Thr403fs; shifts the reading frame from threonine 403.
Molecular consequence: frameshift variant.
Genome position (GRCh38, 1-based): chr19:15,548,178-15,548,179, AC deleted; deleting any 2 consecutive bases within chr19:15,548,177-15,548,179 gives the same sequence; the c. name uses the placement nearest the transcript's 3' end. VCF-style (leftmost placement, unchanged base first): chr19-15548176-TCA-T. GRCh37 (hg19) VCF-style: chr19-15658987-TCA-T.
Other names: c.1207_1208delAC (NM_173483.4); short protein forms T403fs.
Identifiers: ClinVar variation 3896071 (VCV003896071.1).

ClinVar aggregate classification (germline): Pathogenic (1 of 4 stars; one submission).

Conditions:
Lamellar ichthyosis. Identifiers: Orphanet 313, MedGen C5848247, MONDO:0017778.

Submission:

Women's Health and Genetics/Laboratory Corporation of America, LabCorp
Classification: Pathogenic for Lamellar ichthyosis. Last evaluated: 2025-03-20. Review status: criteria provided, single submitter. Criteria: LabCorp Variant Classification Summary - May 2015. Collection method: clinical testing. Allele origin: germline.
Comment: Variant summary: CYP4F22 c.1207_1208delAC (p.Thr403SerfsX40) results in a premature termination codon, predicted to cause a truncation of the encoded protein or absence of the protein due to nonsense mediated decay, which are commonly known mechanisms for disease. The variant was absent in 251490 control chromosomes. To our knowledge, no occurrence of c.1207_1208delAC in individuals affected with Lamellar Ichthyosis and no experimental evidence demonstrating its impact on protein function have been reported. No submitters have cited clinical-significance assessments for this variant to ClinVar. Based on the evidence outlined above, the variant was classified as pathogenic.